The following is an entry in ClinVar:

NM_001370259.2(MEN1):c.690T>A (p.Cys230Ter)

Gene: MEN1 (menin 1; minus strand). Cytogenetic location: 11q13.1.
Variant type: single nucleotide variant.
Coding change: c.690T>A on transcript NM_001370259.2 (MANE Select); coding-DNA position 690, T replaced by A.
Protein change: p.Cys230Ter; replaces cysteine 230 with a stop codon.
Molecular consequence: nonsense.
Genome position (GRCh38, 1-based): chr11:64,807,645, A>T on the plus strand (T>A on the coding strand, the complement: MEN1 is on the minus strand). VCF-style: chr11-64807645-A-T. GRCh37 (hg19) VCF-style: chr11-64575117-A-T.
Other names: c.705T>A, p.Cys235Ter (NM_000244.4, NM_001407145.1, NM_001407150.1 and 5 more transcripts); c.690T>A, p.Cys230Ter (NM_001370251.2, NM_001370260.2, NM_001370261.2 and 7 more transcripts); c.585T>A, p.Cys195Ter (NM_001370262.2, NM_001370263.2, NM_001407148.1 and 2 more transcripts); short protein forms C235*, C230*, C195*.
Identifiers: ClinVar variation 1756119 (VCV001756119.2), dbSNP rs2136142487, ClinGen allele CA381184644.

ClinVar aggregate classification (germline): Pathogenic (1 of 4 stars; one submission).

Conditions:
Hereditary cancer-predisposing syndrome. Also called: Neoplastic Syndromes, Hereditary; Tumor predisposition; Hereditary Cancer Syndrome; Hereditary neoplastic syndrome. Identifiers: Orphanet 140162, MedGen C0027672, MeSH D009386, MONDO:0015356.

Submission:

Ambry Genetics
Classification: Pathogenic for Hereditary cancer-predisposing syndrome. Last evaluated: 2020-10-05. Review status: criteria provided, single submitter. Criteria: Ambry Variant Classification Scheme 2023. Collection method: clinical testing. Allele origin: germline.
Comment: The p.C230* pathogenic mutation (also known as c.690T>A), located in coding exon 3 of the MEN1 gene, results from a T to A substitution at nucleotide position 690. This changes the amino acid from a cysteine to a stop codon within coding exon 3. This alteration is expected to result in loss of function by premature protein truncation or nonsense-mediated mRNA decay. As such, this alteration is interpreted as a disease-causing mutation.